The following is an entry in ClinVar:

NM_001082486.2(ACD):c.602C>T (p.Ala201Val)

Gene: ACD (ACD shelterin complex subunit and telomerase recruitment factor; minus strand). Cytogenetic location: 16q22.1.
Variant type: single nucleotide variant.
Coding change: c.602C>T on transcript NM_001082486.2 (MANE Select); coding-DNA position 602, C replaced by T.
Protein change: p.Ala201Val; replaces alanine 201 with valine.
Molecular consequence: missense variant.
Genome position (GRCh38, 1-based): chr16:67,658,971, G>A on the plus strand (C>T on the coding strand, the complement: ACD is on the minus strand). VCF-style: chr16-67658971-G-A. GRCh37 (hg19) VCF-style: chr16-67692874-G-A.
Other names: c.593C>T, p.Ala198Val (NM_022914.3); short protein forms A198V, A201V.
Identifiers: ClinVar variation 862640 (VCV000862640.17), dbSNP rs777707916, ClinGen allele CA8114613.

ClinVar aggregate classification (germline): Uncertain significance. Review status: criteria provided, multiple submitters, no conflicts (2 of 4 stars). 5 submissions from 5 submitters: Uncertain significance (5). Last evaluated 2025-03-30.

Conditions:
Inborn genetic diseases. Identifiers: MedGen C0950123, MeSH D030342.
Dyskeratosis congenita, autosomal dominant 6 (DKCA6). Identifiers: Orphanet 3322, MedGen C4225284, MONDO:0014690, OMIM 616553.

Allele frequency attached by ClinVar (database versions not stated): TOPMed 0.00001; ExAC 0.00002; gnomAD exomes 0.00002 and 0.00004; gnomAD 0.00003.

Submissions (5):

Ambry Genetics
Classification: Uncertain significance for Inborn genetic diseases. Last evaluated: 2025-03-30. Review status: criteria provided, single submitter. Criteria: Ambry Variant Classification Scheme 2023. Collection method: clinical testing. Allele origin: germline.

Center for Genomic Medicine, Rigshospitalet, Copenhagen University Hospital
Classification: Uncertain significance. Last evaluated: 2025-03-04. Review status: criteria provided, single submitter. Criteria: ACMG Guidelines, 2015. Collection method: clinical testing. Allele origin: germline.

Labcorp Genetics (formerly Invitae), Labcorp
Classification: Uncertain significance for Dyskeratosis congenita, autosomal dominant 6. Last evaluated: 2024-11-06. Review status: criteria provided, single submitter. Criteria: Invitae Variant Classification Sherloc (09022015). Collection method: clinical testing. Allele origin: germline.
Comment: This sequence change replaces alanine, which is neutral and non-polar, with valine, which is neutral and non-polar, at codon 287 of the ACD protein (p.Ala287Val). This variant is present in population databases (rs777707916, gnomAD 0.005%). This variant has not been reported in the literature in individuals affected with ACD-related conditions. ClinVar contains an entry for this variant (Variation ID: 862640). Invitae Evidence Modeling of protein sequence and biophysical properties (such as structural, functional, and spatial information, amino acid conservation, physicochemical variation, residue mobility, and thermodynamic stability) has been performed for this missense variant. However, the output from this modeling did not meet the statistical confidence thresholds required to predict the impact of this variant on ACD protein function. In summary, the available evidence is currently insufficient to determine the role of this variant in disease. Therefore, it has been classified as a Variant of Uncertain Significance.

Blueprint Genetics
Classification: Uncertain significance. Last evaluated: 2021-09-15. Review status: criteria provided, single submitter. Criteria: ACMG Guidelines, 2015. Collection method: clinical testing. Allele origin: germline.

Genetic Services Laboratory, University of Chicago
Classification: Uncertain significance. Last evaluated: 2020-03-09. Review status: criteria provided, single submitter. Criteria: ACMG Guidelines, 2015. Collection method: clinical testing. Allele origin: germline. Affected: no.